The following is an entry in ClinVar:

ClinVar aggregate classification (germline): Likely benign. Review status: criteria provided, multiple submitters, no conflicts (2 of 4 stars). 4 submissions from 4 submitters: Likely benign (3). 1 of the submissions does not count toward it. Last evaluated 2026-01-14.

Conditions:
Cardiovascular phenotype. Identifiers: MedGen CN230736.
DMD-related disorder. Also called: DMD-related condition.
Duchenne muscular dystrophy (DMD). Also called: Duchenne Muscular Dystrophy (DMD); MUSCULAR DYSTROPHY, PSEUDOHYPERTROPHIC PROGRESSIVE, DUCHENNE TYPE. Identifiers: Orphanet 98896, MedGen C0013264, MONDO:0010679, OMIM 310200.

Allele frequency attached by ClinVar (database versions not stated): gnomAD exomes 0.00001 and 0.00005; TOPMed 0.00003; ExAC 0.00005.
gnomAD v4.1: 16 of 1,210,362 alleles (0.0013%); highest among the groups gnomAD compares: Admixed American, 0.033%; no homozygotes.

Submissions (4):

Labcorp Genetics (formerly Invitae), Labcorp
Classification: Likely benign for Duchenne muscular dystrophy. Last evaluated: 2026-01-14. Review status: criteria provided, single submitter. Criteria: Invitae Variant Classification Sherloc (09022015). Collection method: clinical testing. Allele origin: germline.

Ambry Genetics
Classification: Likely benign for Cardiovascular phenotype. Last evaluated: 2023-11-21. Review status: criteria provided, single submitter. Criteria: Ambry Variant Classification Scheme 2023. Collection method: clinical testing. Allele origin: germline.

Women's Health and Genetics/Laboratory Corporation of America, LabCorp
Classification: Likely benign. Last evaluated: 2023-10-29. Review status: criteria provided, single submitter. Criteria: LabCorp Variant Classification Summary - May 2015. Collection method: clinical testing. Allele origin: germline.

PreventionGenetics, part of Exact Sciences
Classification: Likely benign for DMD-related condition. Last evaluated: 2023-08-15. Review status: no assertion criteria provided. Collection method: clinical testing. Allele origin: germline. Not counted in ClinVar's aggregate classification.
Comment: This variant is classified as likely benign based on ACMG/AMP sequence variant interpretation guidelines (Richards et al. 2015 PMID: 25741868, with internal and published modifications).

NM_004006.3(DMD):c.4456C>T (p.Pro1486Ser)

Gene: DMD (dystrophin; minus strand). Cytogenetic location: Xp21.1.
Variant type: single nucleotide variant.
Coding change: c.4456C>T on transcript NM_004006.3 (MANE Select); coding-DNA position 4456, C replaced by T.
Protein change: p.Pro1486Ser; replaces proline 1486 with serine.
Molecular consequence: missense variant.
Genome position (GRCh38, 1-based): chrX:32,389,563, G>A on the plus strand (C>T on the coding strand, the complement: DMD is on the minus strand). VCF-style: chrX-32389563-G-A. GRCh37 (hg19) VCF-style: chrX-32407680-G-A.
Other names: c.4432C>T, p.Pro1478Ser (NM_000109.4); c.4444C>T, p.Pro1482Ser (NM_004009.3); c.4087C>T, p.Pro1363Ser (NM_004010.3); c.433C>T, p.Pro145Ser (NM_004011.4); c.424C>T, p.Pro142Ser (NM_004012.4); c.4456C>T (NM_004006.2); short protein forms P1363S, P142S, P145S, P1478S, P1482S, P1486S.
Identifiers: ClinVar variation 1106910 (VCV001106910.13), dbSNP rs762125605, ClinGen allele CA10378952.